The following is an entry in ClinVar:

NM_181882.3(PRX):c.3198del (p.Phe1066fs)

Genes: PLD3 (phospholipase D family member 3; plus strand), PRX (periaxin; minus strand). Cytogenetic location: 19q13.2.
Variant type: Deletion.
Coding change: c.3198del on transcript NM_181882.3 (MANE Select); coding-DNA position 3198, one base deleted (T; older notation c.3198delT).
Protein change: p.Phe1066fs; shifts the reading frame from phenylalanine 1066.
Molecular consequence: frameshift variant. On other transcripts: 3 prime UTR variant (1).
Genome position (GRCh38, 1-based): chr19:40,395,154, A deleted on the plus strand (T on the coding strand, the reverse complement: PRX is on the minus strand); the first of 3 consecutive A bases (chr19:40,395,154-40,395,156); deleting any one gives the same sequence. VCF-style (leftmost placement, unchanged base first): chr19-40395153-CA-C. GRCh37 (hg19) VCF-style: chr19-40901060-CA-C.
Other names: c.*3403delT (NM_020956.2); c.3198delT (NM_181882.2); c.*3403del (NM_020956.2); short protein forms F1066fs.
Identifiers: ClinVar variation 637402 (VCV000637402.10), dbSNP rs1599651549, ClinGen allele CA915953014.

ClinVar aggregate classification (germline): Pathogenic/Likely pathogenic. Review status: criteria provided, multiple submitters, no conflicts (2 of 4 stars). 5 submissions from 5 submitters: Pathogenic (2); Likely pathogenic (2). 1 of the submissions does not count toward it. Last evaluated 2022-05-25.

Conditions:
Charcot-Marie-Tooth disease. Also called: Charcot-Marie-Tooth Hereditary Neuropathy; Charcot-Marie-Tooth Neuropathy. Identifiers: Orphanet 166, MedGen C0007959, MONDO:0015626.
Spinocerebellar ataxia 46. Also called: SPINOCEREBELLAR ATAXIA, 46, AUTOSOMAL DOMINANT, WITH SENSORY AXONAL NEUROPATHY. Identifiers: Orphanet 589522, MedGen C4540404, MONDO:0033481, OMIM 617770.
Charcot-Marie-Tooth disease type 4. Also called: Charcot-Marie-Tooth, Type 4; Charcot-Marie-Tooth disease, type IV. Identifiers: Orphanet 64749, MedGen C4082197, MONDO:0018995.

Submissions (5):

Labcorp Genetics (formerly Invitae), Labcorp
Classification: Pathogenic for Charcot-Marie-Tooth disease type 4. Last evaluated: 2022-05-25. Review status: criteria provided, single submitter. Criteria: Invitae Variant Classification Sherloc (09022015). Collection method: clinical testing. Allele origin: germline.
Comment: For these reasons, this variant has been classified as Pathogenic. This variant disrupts a region of the PRX protein in which other variant(s) (p.Arg1070*) have been determined to be pathogenic (PMID: 15197604, 15469949, 16770524, 22847150, 26059842). This suggests that this is a clinically significant region of the protein, and that variants that disrupt it are likely to be disease-causing. ClinVar contains an entry for this variant (Variation ID: 637402). This premature translational stop signal has been observed in individual(s) with Charcot-Marie-Tooth disease (PMID: 24011642, 32376792). This variant is not present in population databases (gnomAD no frequency). This sequence change creates a premature translational stop signal (p.Phe1066Leufs*61) in the PRX gene. While this is not anticipated to result in nonsense mediated decay, it is expected to disrupt the last 396 amino acid(s) of the PRX protein.

Mendelics
Classification: Pathogenic for Spinocerebellar ataxia 46. Last evaluated: 2019-05-28. Review status: criteria provided, single submitter. Criteria: Mendelics Assertion Criteria 2017. Collection method: clinical testing. Allele origin: unknown.

GeneDx
Classification: Likely pathogenic. Last evaluated: 2018-11-23. Review status: criteria provided, single submitter. Criteria: GeneDx Variant Classification (06012015). Collection method: clinical testing. Allele origin: germline. Affected: yes.
Comment: The c.3198delT variant in the PRX gene has been reported previously in the homozygous state in association with Charcot-Marie-Tooth type 4F (Renouil et al., 2013). The c.3198delT variant causes a frameshift starting with codon Phenylalanine 1066, changes this amino acid to a Leucine residue, and creates a premature Stop codon at position 61 of the new reading frame, denoted p.Phe1066LeufsX61. This variant is predicted to cause loss of normal protein function through protein truncation, as the last 396 amino acids are lost and replaced with 60 incorrect amino acids. The c.3198delT variant is not observed in large population cohorts (Lek et al., 2016). We interpret c.3198delT as a likely pathogenic variant.

Molecular Genetics Laboratory, London Health Sciences Centre
Classification: Likely pathogenic for Charcot-Marie-Tooth disease. Review status: criteria provided, single submitter. Criteria: ACMG Guidelines, 2015. Collection method: clinical testing. Allele origin: germline. Affected: yes.

Inherited Neuropathy Consortium
Classification: Uncertain significance for Charcot-Marie-Tooth disease. Review status: no assertion criteria provided. Collection method: literature only. Allele origin: germline. Affected: yes. Not counted in ClinVar's aggregate classification.

Literature cited by the submitters: PubMed 15197604 (cited by Labcorp Genetics (formerly Invitae), Labcorp); PubMed 15469949 (cited by Labcorp Genetics (formerly Invitae), Labcorp); PubMed 16770524 (cited by Labcorp Genetics (formerly Invitae), Labcorp); PubMed 22847150 (cited by Labcorp Genetics (formerly Invitae), Labcorp); PubMed 26059842 (cited by Labcorp Genetics (formerly Invitae), Labcorp); PubMed 24011642 (cited by Labcorp Genetics (formerly Invitae), Labcorp and Inherited Neuropathy Consortium); PubMed 32376792 (cited by Labcorp Genetics (formerly Invitae), Labcorp).